The following is an entry in ClinVar:

NM_004820.5(CYP7B1):c.874G>A (p.Ala292Thr)

Gene: CYP7B1 (cytochrome P450 family 7 subfamily B member 1; minus strand). Cytogenetic location: 8q12.3.
Variant type: single nucleotide variant.
Coding change: c.874G>A on transcript NM_004820.5 (MANE Select); coding-DNA position 874, G replaced by A.
Protein change: p.Ala292Thr; replaces alanine 292 with threonine.
Molecular consequence: missense variant.
Genome position (GRCh38, 1-based): chr8:64,615,209, C>T on the plus strand (G>A on the coding strand, the complement: CYP7B1 is on the minus strand). VCF-style: chr8-64615209-C-T. GRCh37 (hg19) VCF-style: chr8-65527766-C-T.
Other names: c.874G>A, p.Ala292Thr (NM_001324112.2); short protein forms A292T.
Identifiers: ClinVar variation 4751026 (VCV004751026.1).
Genomic context (GRCh38, chr8:64,615,209, plus strand): 5'-GGTGCCGCAGAAGATAATACATTGCCCAGAACATAGTTGGAATAGTGTTTGCCACAGAGG[C>T]CCAGAGAAAGCCTAAATGATGTGCTGGGAGAAAATAAGTGAAAAGGAAGATTAATAGCGT-3'
Protein context (NP_004811.1, residues 282-302): IGAHHLGFLW[Ala292Thr]SVANTIPTMF

ClinVar aggregate classification (germline): Uncertain significance (1 of 4 stars; one submission).

Conditions:
Spastic paraplegia. Identifiers: MedGen C0037772, HP:0001258.

gnomAD v4.1: 3 of 1,612,898 alleles (0.00019%); highest among the groups gnomAD compares: African/African-American, 0.0027%; no homozygotes.

Submission:

Labcorp Genetics (formerly Invitae), Labcorp
Classification: Uncertain significance for Spastic paraplegia. Last evaluated: 2025-11-04. Review status: criteria provided, single submitter. Criteria: Invitae Variant Classification Sherloc (09022015). Collection method: clinical testing. Allele origin: germline.
Comment: This sequence change replaces alanine, which is neutral and non-polar, with threonine, which is neutral and polar, at codon 292 of the CYP7B1 protein (p.Ala292Thr). This variant is present in population databases (rs760612173, gnomAD 0.007%). This variant has not been reported in the literature in individuals affected with CYP7B1-related conditions. Invitae Evidence Modeling of protein sequence and biophysical properties (such as structural, functional, and spatial information, amino acid conservation, physicochemical variation, residue mobility, and thermodynamic stability) indicates that this missense variant is expected to disrupt CYP7B1 protein function with a positive predictive value of 95%. In summary, the available evidence is currently insufficient to determine the role of this variant in disease. Therefore, it has been classified as a Variant of Uncertain Significance.